The following is an entry in ClinVar:

NM_021956.5(GRIK2):c.1742T>C (p.Ile581Thr)

Gene: GRIK2 (glutamate ionotropic receptor kainate type subunit 2; plus strand). Cytogenetic location: 6q16.3.
Variant type: single nucleotide variant.
Coding change: c.1742T>C on transcript NM_021956.5 (MANE Select); coding-DNA position 1742, T replaced by C.
Protein change: p.Ile581Thr; replaces isoleucine 581 with threonine.
Molecular consequence: missense variant.
Genome position (GRCh38, 1-based): chr6:101,889,857, T>C. VCF-style: chr6-101889857-T-C. GRCh37 (hg19) VCF-style: chr6-102337732-T-C.
Other names: c.1742T>C, p.Ile581Thr (NM_001166247.1, NM_175768.3); short protein forms I581T.
Identifiers: ClinVar variation 5021055 (VCV005021055.1).

ClinVar aggregate classification (germline): Uncertain significance (1 of 4 stars; one submission).

gnomAD v4.1: 3 of 1,597,658 alleles (0.00019%); highest among the groups gnomAD compares: Non-Finnish European, 0.00017%; no homozygotes.

Submission:

Dasa
Classification: Uncertain significance. Last evaluated: 2024-11-04. Review status: criteria provided, single submitter. Criteria: DASA Assertion Criteria. Collection method: clinical testing. Allele origin: germline.
Comment: NM_021956.5(GRIK2):c.1742T>C (p.Ile581Thr) is a missense variant that results in the substitution of isoleucine with threonine. This variant is rare in population databases. Computational prediction algorithms are consistent with a deleterious effect. The currently available literature and clinical evidence are not sufficient to establish a definitive association between this variant and the reported condition. Therefore, this variant is classified as a variant of uncertain significance.